The following is an entry in ClinVar:

ClinVar aggregate classification (germline): Benign/Likely benign. Review status: criteria provided, multiple submitters, no conflicts (2 of 4 stars). 3 submissions from 3 submitters: Benign (1); Likely benign (1). 1 of the submissions does not count toward it. Last evaluated 2026-01-21.

Conditions:
COLQ-related disorder. Also called: COLQ-related condition.
Congenital myasthenic syndrome 5. Identifiers: Orphanet 590, MedGen C1864233, MONDO:0011281, OMIM 603034.

Allele frequency attached by ClinVar (database versions not stated): gnomAD 0.00021 and 0.00040; gnomAD exomes 0.00036 and 0.00102; TOPMed 0.00037; ExAC 0.00100; 1000 Genomes Project 30x 0.00265; 1000 Genomes Project 0.00339.
gnomAD v4.1: 624 of 1,613,998 alleles (0.039%); highest among the groups gnomAD compares: East Asian, 0.9%; 11 homozygotes.

Submissions (3):

Labcorp Genetics (formerly Invitae), Labcorp
Classification: Benign for Congenital myasthenic syndrome 5. Last evaluated: 2026-01-21. Review status: criteria provided, single submitter. Criteria: Invitae Variant Classification Sherloc (09022015). Collection method: clinical testing. Allele origin: germline.

Illumina Laboratory Services, Illumina
Classification: Likely benign for Congenital myasthenic syndrome 5. Last evaluated: 2018-01-13. Review status: criteria provided, single submitter. Criteria: ICSL Variant Classification Criteria 13 December 2019. Collection method: clinical testing. Allele origin: germline.
Comment: This variant was observed in the ICSL laboratory as part of a predisposition screen in an ostensibly healthy population. It had not been previously curated by ICSL or reported in the Human Gene Mutation Database (HGMD: prior to June 1st, 2018), and was therefore a candidate for classification through an automated scoring system. Utilizing variant allele frequency, disease prevalence and penetrance estimates, and inheritance mode, an automated score was calculated to assess if this variant is too frequent to cause the disease. Based on the score and internal cut-off values, a variant classified as likely benign is not then subjected to further curation. The score for this variant resulted in a classification of likely benign for this disease.

PreventionGenetics, part of Exact Sciences
Classification: Benign for COLQ-related condition. Last evaluated: 2019-12-06. Review status: no assertion criteria provided. Collection method: clinical testing. Allele origin: germline. Not counted in ClinVar's aggregate classification.
Comment: This variant is classified as benign based on ACMG/AMP sequence variant interpretation guidelines (Richards et al. 2015 PMID: 25741868, with internal and published modifications).

NM_005677.4(COLQ):c.1081C>T (p.Pro361Ser)

Gene: COLQ (collagen like tail subunit of asymmetric acetylcholinesterase; minus strand). Cytogenetic location: 3p25.1.
Variant type: single nucleotide variant.
Coding change: c.1081C>T on transcript NM_005677.4 (MANE Select); coding-DNA position 1081, C replaced by T.
Protein change: p.Pro361Ser; replaces proline 361 with serine.
Molecular consequence: missense variant.
Genome position (GRCh38, 1-based): chr3:15,456,013, G>A on the plus strand (C>T on the coding strand, the complement: COLQ is on the minus strand). VCF-style: chr3-15456013-G-A. GRCh37 (hg19) VCF-style: chr3-15497520-G-A.
Other names: c.1051C>T, p.Pro351Ser (NM_080538.2); c.979C>T, p.Pro327Ser (NM_080539.4); short protein forms P361S, P351S, P327S.
Identifiers: ClinVar variation 343846 (VCV000343846.17), dbSNP rs116828761, ClinGen allele CA2275877.